The following is an entry in ClinVar:

ClinVar aggregate classification (germline): Pathogenic/Likely pathogenic. Review status: criteria provided, multiple submitters, no conflicts (2 of 4 stars). 13 submissions from 13 submitters: Pathogenic (7); Likely pathogenic (3). 3 of the submissions do not count toward it. Last evaluated 2025-12-24.

Conditions:
HOGA1-related disorders.
Primary hyperoxaluria type 3. Also called: PH III. Identifiers: Orphanet 416, Orphanet 93600, MedGen C3150878, MONDO:0013327, OMIM 613616. Disease mechanism: loss of function.

Allele frequency attached by ClinVar (database versions not stated): gnomAD 0.00006; TOPMed 0.00010.
gnomAD v4.1: 104 of 1,611,298 alleles (0.0065%); highest among the groups gnomAD compares: East Asian, 0.078%; no homozygotes.

Submissions (16):

3billion
Classification: Likely pathogenic for Primary hyperoxaluria type 3. Last evaluated: 2025-12-24. Review status: criteria provided, single submitter. Criteria: ACMG Guidelines, 2015. Collection method: clinical testing. Allele origin: germline. Affected: yes.
Comment: The variant is observed at an extremely low frequency in the gnomAD v4.1.0 dataset (total allele frequency: 0.006%). Predicted Consequence/Location: Synonymous variant In silico tools predict the variant to alter splicing and produce an abnormal transcript [SpliceAI: 0.52 (>=0.2, moderate evidence for spliceogenicity)]. The variant has been reported to be in trans with a pathogenic variant as either compound heterozygous or homozygous in at least one similarly affected unrelated individual (3billion dataset). The variant has been reported at least twice as pathogenic with clinical assertions and evidence for the classification (ClinVar ID: VCV000204286 /PMID: 26340091 /3billion dataset). Therefore, this variant is classified as Likely pathogenic according to the recommendation of ACMG/AMP guideline.

Rare Kidney Stone Consortium and the Mayo Clinic Hyperoxaluria Center, Mayo Clinic
Classification: Pathogenic for Primary hyperoxaluria type 3. Last evaluated: 2025-10-03. Review status: criteria provided, single submitter. Criteria: ACMG Guidelines, 2015. Collection method: research. Allele origin: germline. Affected: yes. Observed: 1 variant allele.
Comment: ACMG:PM2, PM3, PP3, PP5

Natera, Inc.
Classification: Pathogenic for Primary hyperoxaluria type III. Last evaluated: 2025-08-29. Review status: criteria provided, single submitter. Criteria: Natera Variant Classification Schema (03/2026). Collection method: clinical testing. Allele origin: germline.
Comment: The c.834G>A variant in HOGA1 is a synonymous variant that does not alter the encoded amino acid at position 278 (p.A278=). The frequency of this variant in the general population is greater than expected for disorder. This variant has been observed in one or more individuals affected with the associated recessive disease, as either homozygous or compound heterozygous with a second variant (PMID: 35149915). Additionally, this variant has been observed to segregate in affected family members (PMID: 31401635). Functional studies show that this variant may disrupt protein function (PMID: 26340091). Computational prediction algorithms indicate this variant is likely to affect gene or protein function. Given the available evidence, this variant is classified as Pathogenic.

Labcorp Genetics (formerly Invitae), Labcorp
Classification: Pathogenic. Last evaluated: 2025-02-15. Review status: criteria provided, single submitter. Criteria: Invitae Variant Classification Sherloc (09022015). Collection method: clinical testing. Allele origin: germline.
Comment: This sequence change affects codon 278 of the HOGA1 mRNA. It is a 'silent' change, meaning that it does not change the encoded amino acid sequence of the HOGA1 protein. This variant also falls at the last nucleotide of exon 6, which is part of the consensus splice site for this exon. This variant is present in population databases (rs770050262, gnomAD 0.08%). This variant has been observed in individual(s) with primary hyperoxaluria type 3 (PMID: 26340091, 31123811). In at least one individual the data is consistent with being in trans (on the opposite chromosome) from a pathogenic variant. ClinVar contains an entry for this variant (Variation ID: 204286). Variants that disrupt the consensus splice site are a relatively common cause of aberrant splicing (PMID: 17576681, 9536098). Algorithms developed to predict the effect of sequence changes on RNA splicing suggest that this variant may disrupt the consensus splice site. For these reasons, this variant has been classified as Pathogenic.

Genomic Medicine Center of Excellence, King Faisal Specialist Hospital and Research Centre
Classification: Likely pathogenic for Primary hyperoxaluria type 3. Last evaluated: 2024-09-22. Review status: criteria provided, single submitter. Criteria: ACMG Guidelines, 2015. Collection method: clinical testing. Allele origin: germline.

Blueprint Genetics
Classification: Pathogenic for HOGA1-related disorders. Last evaluated: 2024-09-06. Review status: criteria provided, single submitter. Criteria: ACMG Guidelines, 2015. Collection method: clinical testing. Allele origin: germline. Affected: yes. Observed: 5 variant alleles.

Fulgent Genetics
Classification: Pathogenic for Primary hyperoxaluria type 3. Last evaluated: 2024-03-12. Review status: criteria provided, single submitter. Criteria: ACMG Guidelines, 2015. Collection method: clinical testing. Allele origin: germline.

Revvity Omics, Revvity
Classification: Likely pathogenic. Last evaluated: 2023-01-24. Review status: criteria provided, single submitter. Criteria: ACMG Guidelines, 2015. Collection method: clinical testing. Allele origin: germline.

GeneDx
Classification: Pathogenic. Last evaluated: 2022-04-07. Review status: criteria provided, single submitter. Criteria: GeneDx Variant Classification Process June 2021. Collection method: clinical testing. Allele origin: germline. Affected: yes.
Comment: Published functional studies demonstrate skipping of exon 6 (Wang et al., 2015); This variant is associated with the following publications: (PMID: 31589614, 26340091, 34426522, 31123811)

Juno Genomics, Hangzhou Juno Genomics, Inc
Classification: Pathogenic for Primary hyperoxaluria type 3. Review status: criteria provided, single submitter. Criteria: ACMG Guidelines, 2015. Collection method: clinical testing. Allele origin: germline. Affected: yes.
Comment: Absent from controls (or at extremely low frequency if recessive) in Genome Aggregation Database, Exome Sequencing Project, 1000 Genomes Project, or Exome Aggregation Consortium.;Null variant in a gene where loss of function (LOF) is a known mechanism of disease.;For recessive disorders, detected in trans with a pathogenic variant.;Co-segregation with disease in multiple affected family members in a gene definitively known to cause the disease.

Chinese Inherited Urolithiasis Consortium, The Affiliated Yantai Yuhuangding Hospital of Qingdao University
Classification: Pathogenic for Primary hyperoxaluria type 3. Last evaluated: 2024-08-26. Review status: no assertion criteria provided. Collection method: clinical testing. Allele origin: paternal, biparental, maternal. Affected: yes. Observed: 14 variant alleles. Not counted in ClinVar's aggregate classification.

OMIM
Classification: Pathogenic for HYPEROXALURIA, PRIMARY, TYPE III. Last evaluated: 2019-04-09. Review status: no assertion criteria provided. Collection method: literature only. Allele origin: germline. Not counted in ClinVar's aggregate classification.

Clinical Biochemistry Laboratory, Health Services Laboratory
Classification: Pathogenic for Primary hyperoxaluria, type III. Last evaluated: 2014-11-27. Review status: no assertion criteria provided. Collection method: research. Allele origin: germline. Affected: yes. Not counted in ClinVar's aggregate classification.
Comment: Predicted to affect splicing

Dr. Peter K. Rogan Lab, Western University
No classification provided (evidence only). Condition: Malignant tumor of urinary bladder. Review status: no classification provided. Collection method: in vitro. Allele origin: not applicable. Functional consequence: retained intron. Not counted in ClinVar's aggregate classification.

Dr. Peter K. Rogan Lab, Western University
No classification provided (evidence only). Condition: Malignant tumor of urinary bladder. Review status: no classification provided. Collection method: in vitro. Allele origin: not applicable. Functional consequence: retained intron. Not counted in ClinVar's aggregate classification.

Dr. Peter K. Rogan Lab, Western University
No classification provided (evidence only). Condition: Thyroid cancer, nonmedullary, 1. Review status: no classification provided. Collection method: in vitro. Allele origin: not applicable. Functional consequence: retained intron. Not counted in ClinVar's aggregate classification.

Literature cited by the submitters: PubMed 26340091 (cited by 4 submitters); PubMed 40794449 (cited by Rare Kidney Stone Consortium and the Mayo Clinic Hyperoxaluria Center, Mayo Clinic); PubMed 35149915 (cited by Natera, Inc.); PubMed 31401635 (cited by Natera, Inc.); PubMed 31123811 (cited by Labcorp Genetics (formerly Invitae), Labcorp); PubMed 17576681 (cited by Labcorp Genetics (formerly Invitae), Labcorp); PubMed 9536098 (cited by Labcorp Genetics (formerly Invitae), Labcorp).

NM_138413.4(HOGA1):c.834G>A (p.Ala278=)

Gene: HOGA1 (4-hydroxy-2-oxoglutarate aldolase 1; plus strand). Cytogenetic location: 10q24.2.
Variant type: single nucleotide variant.
Coding change: c.834G>A on transcript NM_138413.4 (MANE Select); coding-DNA position 834, G replaced by A.
Protein change: p.Ala278=; no amino-acid change (alanine 278 retained).
Molecular consequence: synonymous variant.
Genome position (GRCh38, 1-based): chr10:97,601,990, G>A. VCF-style: chr10-97601990-G-A. GRCh37 (hg19) VCF-style: chr10-99361747-G-A.
Other names: c.345G>A, p.Ala115= (NM_001134670.2).
Identifiers: ClinVar variation 204286 (VCV000204286.25), dbSNP rs770050262, ClinGen allele CA203981.